The following is an entry in ClinVar:

ClinVar aggregate classification (germline): Uncertain significance. Review status: criteria provided, multiple submitters, no conflicts (2 of 4 stars). 2 submissions from 2 submitters: Uncertain significance (2). Last evaluated 2025-04-06.

Allele frequency attached by ClinVar (database versions not stated): gnomAD 0.00002 and 0.00003; TOPMed 0.00002; ExAC 0.00003; gnomAD exomes 0.00004.
gnomAD v4.1: 42 of 1,614,098 alleles (0.0026%); highest among the groups gnomAD compares: Non-Finnish European, 0.00034%; no homozygotes.

Submissions (2):

Ambry Genetics
Classification: Uncertain significance. Last evaluated: 2025-04-06. Review status: criteria provided, single submitter. Criteria: Ambry Variant Classification Scheme 2023. Collection method: clinical testing. Allele origin: germline.

GeneDx
Classification: Uncertain significance. Last evaluated: 2021-02-26. Review status: criteria provided, single submitter. Criteria: GeneDx Variant Classification Process June 2021. Collection method: clinical testing. Allele origin: germline. Affected: yes.
Comment: In silico analysis supports that this missense variant does not alter protein structure/function; Has not been previously published as pathogenic or benign to our knowledge

NM_006267.5(RANBP2):c.9154G>C (p.Val3052Leu)

Gene: RANBP2 (RAN binding protein 2; plus strand). Cytogenetic location: 2q13.
Variant type: single nucleotide variant.
Coding change: c.9154G>C on transcript NM_006267.5 (MANE Select); coding-DNA position 9154, G replaced by C.
Protein change: p.Val3052Leu; replaces valine 3052 with leucine.
Molecular consequence: missense variant.
Genome position (GRCh38, 1-based): chr2:108,782,647, G>C. VCF-style: chr2-108782647-G-C. GRCh37 (hg19) VCF-style: chr2-109399103-G-C.
Other names: short protein forms V3052L.
Identifiers: ClinVar variation 1303610 (VCV001303610.3), dbSNP rs775739392, ClinGen allele CA1823978.